The following is an entry in ClinVar:

ClinVar aggregate classification (germline): Uncertain significance (1 of 4 stars; one submission).

gnomAD v4.1: 2 of 1,613,908 alleles (0.00012%); highest among the groups gnomAD compares: Non-Finnish European, 0.00017%; no homozygotes.

Submission:

Labcorp Genetics (formerly Invitae), Labcorp
Classification: Uncertain significance. Last evaluated: 2024-10-02. Review status: criteria provided, single submitter. Criteria: Invitae Variant Classification Sherloc (09022015). Collection method: clinical testing. Allele origin: germline.
Comment: This sequence change replaces alanine, which is neutral and non-polar, with glycine, which is neutral and non-polar, at codon 2111 of the CACNA1D protein (p.Ala2111Gly). This variant is not present in population databases (gnomAD no frequency). This variant has not been reported in the literature in individuals affected with CACNA1D-related conditions. An algorithm developed to predict the effect of missense changes on protein structure and function (PolyPhen-2) suggests that this variant is likely to be disruptive. In summary, the available evidence is currently insufficient to determine the role of this variant in disease. Therefore, it has been classified as a Variant of Uncertain Significance.

NM_001128840.3(CACNA1D):c.6272C>G (p.Ala2091Gly)

Gene: CACNA1D (calcium voltage-gated channel subunit alpha1 D; plus strand). Cytogenetic location: 3p21.1.
Variant type: single nucleotide variant.
Coding change: c.6272C>G on transcript NM_001128840.3 (MANE Select); coding-DNA position 6272, C replaced by G.
Protein change: p.Ala2091Gly; replaces alanine 2091 with glycine.
Molecular consequence: missense variant.
Genome position (GRCh38, 1-based): chr3:53,811,192, C>G. VCF-style: chr3-53811192-C-G. GRCh37 (hg19) VCF-style: chr3-53845219-C-G.
Other names: c.6332C>G, p.Ala2111Gly (NM_000720.4); c.6200C>G, p.Ala2067Gly (NM_001128839.3); short protein forms A2067G, A2111G, A2091G.
Identifiers: ClinVar variation 3722024 (VCV003722024.2).